The following is an entry in ClinVar:

NM_000266.4(NDP):c.196dup (p.Glu66fs)

Genes: NDP (norrin cystine knot growth factor NDP; minus strand), NDP-AS1 (NDP antisense RNA 1; plus strand). Cytogenetic location: Xp11.3.
Variant type: Duplication.
Coding change: c.196dup on transcript NM_000266.4 (MANE Select); coding-DNA position 196, one base duplicated (G; older notation c.196dupG).
Protein change: p.Glu66fs; shifts the reading frame from glutamic acid 66.
Molecular consequence: frameshift variant. On other transcripts: non-coding transcript variant (1).
Genome position (GRCh38, 1-based): chrX:43,950,005, C duplicated on the plus strand (G on the coding strand, the reverse complement: NDP is on the minus strand). VCF-style (leftmost placement, unchanged base first): chrX-43950004-T-TC. GRCh37 (hg19) VCF-style: chrX-43809250-T-TC.
Other names: short protein forms E66fs.
Identifiers: ClinVar variation 419051 (VCV000419051.2), dbSNP rs1555976084, ClinGen allele CA16621407.

ClinVar aggregate classification (germline): Pathogenic (1 of 4 stars; one submission).

Submission:

GeneDx
Classification: Pathogenic. Last evaluated: 2015-05-12. Review status: criteria provided, single submitter. Criteria: GeneDx Variant Classification (06012015). Collection method: clinical testing. Allele origin: germline. Affected: yes.
Comment: The c.196dupG pathogenic variant in the NDP gene causes a frameshift starting with codon Glutamicacid 66, changes this amino acid to a Glycine residue and creates a premature Stop codon at position83 of the new reading frame, denoted p.Glu66GlyfsX83. This variant is expected to result in anabnormal protein as the C-terminal 68 correct amino acids are replaced with 82 aberrant amino acids.Although this variant has not been previously reported to our knowledge, we consider it to be pathogenic.